The following is an entry in ClinVar:

NM_006231.4(POLE):c.331-15T>C

Gene: POLE (DNA polymerase epsilon, catalytic subunit; minus strand). Cytogenetic location: 12q24.33.
Variant type: single nucleotide variant.
Coding change: c.331-15T>C on transcript NM_006231.4 (MANE Select); 15 bases into the intron before coding-DNA position 331, T replaced by C.
Molecular consequence: intron variant.
Genome position (GRCh38, 1-based): chr12:132,680,061, A>G on the plus strand (T>C on the coding strand, the complement: POLE is on the minus strand). VCF-style: chr12-132680061-A-G. GRCh37 (hg19) VCF-style: chr12-133256647-A-G.
Identifiers: ClinVar variation 4798074 (VCV004798074.1).

ClinVar aggregate classification (germline): Uncertain significance (1 of 4 stars; one submission).

Submission:

Labcorp Genetics (formerly Invitae), Labcorp
Classification: Uncertain significance. Last evaluated: 2025-10-19. Review status: criteria provided, single submitter. Criteria: Invitae Variant Classification Sherloc (09022015). Collection method: clinical testing. Allele origin: germline.
Comment: This sequence change falls in intron 4 of the POLE gene. It does not directly change the encoded amino acid sequence of the POLE protein. This variant is not present in population databases (gnomAD no frequency). This variant has not been reported in the literature in individuals affected with POLE-related conditions. Algorithms developed to predict the effect of sequence changes on RNA splicing suggest that this variant may disrupt the consensus splice site. In summary, the available evidence is currently insufficient to determine the role of this variant in disease. Therefore, it has been classified as a Variant of Uncertain Significance.